The following is an entry in ClinVar:

ClinVar aggregate classification (germline): Likely benign. Review status: criteria provided, single submitter (1 of 4 stars). 2 submissions from 2 submitters: Likely benign (1). 1 of the submissions does not count toward it. Last evaluated 2026-01-21.

Conditions:
NFKB2-related disorder. Also called: NFKB2-related condition.
Immunodeficiency, common variable, 10. Also called: IMMUNODEFICIENCY, COMMON VARIABLE, WITH CENTRAL ADRENAL INSUFFICIENCY; DEFICIT IN ANTERIOR PITUITARY FUNCTION AND VARIABLE IMMUNODEFICIENCY. Identifiers: MedGen C3809991, MONDO:0014260, OMIM 615577.

Allele frequency attached by ClinVar (database versions not stated): gnomAD exomes 0.00002 and 0.00007; TOPMed 0.00018; gnomAD 0.00019 and 0.00021; 1000 Genomes Project 0.00020; ExAC 0.00021; 1000 Genomes Project 30x 0.00031.

Submissions (2):

Labcorp Genetics (formerly Invitae), Labcorp
Classification: Likely benign for Immunodeficiency, common variable, 10. Last evaluated: 2026-01-21. Review status: criteria provided, single submitter. Criteria: Invitae Variant Classification Sherloc (09022015). Collection method: clinical testing. Allele origin: germline.

PreventionGenetics, part of Exact Sciences
Classification: Likely benign for NFKB2-related condition. Last evaluated: 2024-02-22. Review status: no assertion criteria provided. Collection method: clinical testing. Allele origin: germline. Not counted in ClinVar's aggregate classification.
Comment: This variant is classified as likely benign based on ACMG/AMP sequence variant interpretation guidelines (Richards et al. 2015 PMID: 25741868, with internal and published modifications).

NM_001322934.2(NFKB2):c.2676C>T (p.His892=)

Gene: NFKB2 (nuclear factor kappa B subunit 2; plus strand). Cytogenetic location: 10q24.32.
Variant type: single nucleotide variant.
Coding change: c.2676C>T on transcript NM_001322934.2 (MANE Select); coding-DNA position 2676, C replaced by T.
Protein change: p.His892=; no amino-acid change (histidine 892 retained).
Molecular consequence: synonymous variant.
Genome position (GRCh38, 1-based): chr10:102,402,349, C>T. VCF-style: chr10-102402349-C-T. GRCh37 (hg19) VCF-style: chr10-104162106-C-T.
Other names: c.2676C>T, p.His892= (NM_001077494.3); c.2673C>T, p.His891= (NM_001261403.3, NM_001288724.1, NM_002502.6); c.2550C>T, p.His850= (NM_001322935.1).
Identifiers: ClinVar variation 715396 (VCV000715396.12), dbSNP rs572862942, ClinGen allele CA5665137.
Genomic context (GRCh38, chr10:102,402,349, plus strand): 5'-AGTGGAGCAGGAGGCAGAGAAGCTGGGCCCACCCCCTGAGCCACCAGGAGGGCTCTGCCA[C>T]GGGCACCCCCAGCCTCAGGTGCACTGACCTGCTGCCTGCCCCCAGCCCCCTTCCCGGACC-3'
Protein context (NP_001309863.1, residues 882-900): PPPEPPGGLC[His892=]GHPQPQVH